The following is an entry in ClinVar:

ClinVar aggregate classification (germline): Pathogenic. Review status: reviewed by expert panel (3 of 4 stars). 9 submissions from 9 submitters: Pathogenic (1). 8 of the submissions do not count toward it. Last evaluated 2016-09-08.

Conditions:
Hereditary breast ovarian cancer syndrome. Also called: Breast and ovarian cancer; Hereditary breast and ovarian cancer; Hereditary breast and ovarian cancer syndrome; BRCA1- and BRCA2-Associated Hereditary Breast and Ovarian Cancer; Hereditary breast and ovarian cancer syndrome (HBOC); Hereditary breast and/or ovarian cancer syndrome. Identifiers: Orphanet 145, MedGen C0677776, MeSH D061325, MONDO:0003582. Disease mechanism: loss of function.
Hereditary cancer-predisposing syndrome. Also called: Tumor predisposition; Hereditary Cancer Syndrome; Neoplastic Syndromes, Hereditary; Hereditary neoplastic syndrome. Identifiers: Orphanet 140162, MedGen C0027672, MeSH D009386, MONDO:0015356.
Breast-ovarian cancer, familial, susceptibility to, 2 (BROVCA2). Also called: BRCA2 Hereditary Breast and Ovarian Cancer. Identifiers: Orphanet 145, MedGen C2675520, MONDO:0012933, OMIM 612555. Disease mechanism: loss of function.

Submissions (9):

Evidence-based Network for the Interpretation of Germline Mutant Alleles (ENIGMA)
Classification: Pathogenic for Breast-ovarian cancer, familial, susceptibility to, 2. Last evaluated: 2016-09-08. Review status: reviewed by expert panel. Criteria: ENIGMA BRCA1/2 Classification Criteria (2015). Collection method: curation. Allele origin: germline.
Comment: Variant allele predicted to encode a truncated non-functional protein.

Quest Diagnostics Nichols Institute San Juan Capistrano
Classification: Pathogenic. Last evaluated: 2025-10-29. Review status: criteria provided, single submitter. Criteria: Quest Diagnostics criteria. Collection method: clinical testing. Allele origin: unknown. Not counted in ClinVar's aggregate classification.
Comment: The BRCA2 c.7556dup (p.Arg2520Serfs*19) variant alters the translational reading frame of the BRCA2 mRNA and causes the premature termination of BRCA2 protein synthesis. This variant has been reported in the published literature in individuals with breast cancer (PMIDs: 18286383 (2008) and 30630528 (2019)). The frequency of this variant in the general population (Genome Aggregation Database) is consistent with pathogenicity. Based on the available information, this variant is classified as pathogenic .

Color Diagnostics, LLC DBA Color Health
Classification: Pathogenic for Hereditary cancer-predisposing syndrome. Last evaluated: 2025-10-28. Review status: criteria provided, single submitter. Criteria: ACMG Guidelines, 2015. Collection method: clinical testing. Allele origin: germline. Not counted in ClinVar's aggregate classification.
Comment: This variant inserts 1 nucleotide in exon 15 of the BRCA2 gene, creating a frameshift and premature translation stop signal. This variant is expected to result in an absent or non-functional protein product. This variant has been reported in two individuals affected with breast cancer (PMID: 18286383, 30630528). Multifactorial analysis reached a likelihood ratio (LR) of 0.922 based on personal and family history for one carrier (PMID: 31853058). This variant has been identified in 1/251198 chromosomes in the general population by the Genome Aggregation Database (gnomAD). Loss of BRCA2 function is a known mechanism of disease. Based on the available evidence, this variant is classified as Pathogenic.

Ambry Genetics
Classification: Pathogenic for Hereditary cancer-predisposing syndrome. Last evaluated: 2025-07-18. Review status: criteria provided, single submitter. Criteria: Ambry Variant Classification Scheme 2023. Collection method: clinical testing. Allele origin: germline. Not counted in ClinVar's aggregate classification.
Comment: The c.7556dupC pathogenic mutation, located in coding exon 14 of the BRCA2 gene, results from a duplication of C at nucleotide position 7556, causing a translational frameshift with a predicted alternate stop codon (p.R2520Sfs*19). This alteration is expected to result in loss of function by premature protein truncation or nonsense-mediated mRNA decay. As such, this alteration is interpreted as a disease-causing mutation.

Labcorp Genetics (formerly Invitae), Labcorp
Classification: Pathogenic for Hereditary breast ovarian cancer syndrome. Last evaluated: 2024-10-19. Review status: criteria provided, single submitter. Criteria: Invitae Variant Classification Sherloc (09022015). Collection method: clinical testing. Allele origin: germline. Not counted in ClinVar's aggregate classification.
Comment: This sequence change creates a premature translational stop signal (p.Arg2520Serfs*19) in the BRCA2 gene. It is expected to result in an absent or disrupted protein product. Loss-of-function variants in BRCA2 are known to be pathogenic (PMID: 20104584). This variant is present in population databases (rs80359660, gnomAD 0.003%). This variant has not been reported in the literature in individuals affected with BRCA2-related conditions. ClinVar contains an entry for this variant (Variation ID: 91482). For these reasons, this variant has been classified as Pathogenic.

GeneDx
Classification: Pathogenic. Last evaluated: 2018-05-03. Review status: criteria provided, single submitter. Criteria: GeneDx Variant Classification (06012015). Collection method: clinical testing. Allele origin: germline. Affected: yes. Not counted in ClinVar's aggregate classification.
Comment: This duplication of one nucleotide in BRCA2 is denoted c.7556dupC at the cDNA level and p.Arg2520SerfsX19 (R2520SfsX19) at the protein level. Using alternate nomenclature, this variant would be defined as BRCA2 7784insC. The normal sequence, with the base that is duplicated in brackets, is CTGC[dupC]TCGA. The duplication causes a frameshift which changes an Arginine to a Serine at codon 2520, and creates a premature stop codon at position 19 of the new reading frame. This variant is predicted to cause loss of normal protein function through either protein truncation or nonsense-mediated mRNA decay. This variant has been observed in at least one hereditary breast cancer family (Rodriguez 2008). We consider this variant to be pathogenic.

Women's Health and Genetics/Laboratory Corporation of America, LabCorp
Classification: Pathogenic for Hereditary breast ovarian cancer syndrome. Last evaluated: 2016-07-26. Review status: criteria provided, single submitter. Criteria: LabCorp Variant Classification Summary - May 2015. Collection method: clinical testing. Allele origin: germline. Not counted in ClinVar's aggregate classification.
Comment: Variant summary: The BRCA2 c.7556dupC (p.Arg2520Serfs) variant results in a premature termination codon, predicted to cause a truncated or absent BRCA2 protein due to nonsense mediated decay, which are commonly known mechanisms for disease. One in silico tool predicts a damaging outcome for this variant. This variant is absent in 120750 control chromosomes while it was reported in one HBOC family indicating pathogenicity. Truncations downstream of this position have been classified as pathogenic by our laboratory (e.g. p.Arg2520X, p.Trp2574fs) further supporting a deleterious outcome. In addition, multiple clinical diagnostic laboratories/reputable databases classified this variant as Pathogenic. Taken together, this variant is classified as Pathogenic.

Sharing Clinical Reports Project (SCRP)
Classification: Pathogenic for Breast-ovarian cancer, familial 2. Last evaluated: 2006-08-03. Review status: no assertion criteria provided. Collection method: clinical testing. Allele origin: germline. Not counted in ClinVar's aggregate classification.

Breast Cancer Information Core (BIC) (BRCA2)
Classification: Pathogenic for Breast-ovarian cancer, familial 2. Last evaluated: 2004-02-20. Review status: no assertion criteria provided. Collection method: clinical testing. Allele origin: germline. Affected: yes. Observed: 1 variant allele. Not counted in ClinVar's aggregate classification.

Literature cited by the submitters: PubMed 30630528 (cited by 3 submitters); PubMed 18286383 (cited by 3 submitters); PubMed 31853058 (cited by Color Diagnostics, LLC DBA Color Health); PubMed 20104584 (cited by Labcorp Genetics (formerly Invitae), Labcorp).

NM_000059.4(BRCA2):c.7556dup (p.Arg2520fs)

Gene: BRCA2 (BRCA2 DNA repair associated; plus strand). Cytogenetic location: 13q13.1.
Variant type: Duplication.
Coding change: c.7556dup on transcript NM_000059.4 (MANE Select); coding-DNA position 7556, one base duplicated (C; older notation c.7556dupC).
Protein change: p.Arg2520fs; shifts the reading frame from arginine 2520.
Molecular consequence: frameshift variant.
Genome position (GRCh38, 1-based): chr13:32,356,548, C duplicated; the last of 2 consecutive C bases (chr13:32,356,547-32,356,548); duplicating either gives the same sequence. VCF-style (leftmost placement, unchanged base first): chr13-32356546-G-GC. GRCh37 (hg19) VCF-style: chr13-32930683-G-GC.
Other names: 7784insC; c.7556dupC (NM_000059.3); short protein forms R2520fs.
Identifiers: ClinVar variation 91482 (VCV000091482.23), dbSNP rs80359660, ClinGen allele CA025143.